The following is an entry in ClinVar:

NM_001142800.2(EYS):c.5022C>G (p.Ile1674Met)

Gene: EYS (eyes shut homolog; minus strand). Cytogenetic location: 6q12.
Variant type: single nucleotide variant.
Coding change: c.5022C>G on transcript NM_001142800.2 (MANE Select); coding-DNA position 5022, C replaced by G.
Protein change: p.Ile1674Met; replaces isoleucine 1674 with methionine.
Molecular consequence: missense variant.
Genome position (GRCh38, 1-based): chr6:64,590,845, G>C on the plus strand (C>G on the coding strand, the complement: EYS is on the minus strand). VCF-style: chr6-64590845-G-C. GRCh37 (hg19) VCF-style: chr6-65300738-G-C.
Other names: c.5022C>G, p.Ile1674Met (NM_001292009.2); short protein forms I1674M.
Identifiers: ClinVar variation 1425820 (VCV001425820.3), dbSNP rs1024206960, ClinGen allele CA140340917.

ClinVar aggregate classification (germline): Uncertain significance (1 of 4 stars; one submission).

Allele frequency attached by ClinVar (database versions not stated): gnomAD exomes below 0.00001 and 0.00001.
gnomAD v4.1: 6 of 1,550,668 alleles (0.00039%); highest among the groups gnomAD compares: Admixed American, 0.002%; no homozygotes.

Submission:

Labcorp Genetics (formerly Invitae), Labcorp
Classification: Uncertain significance. Last evaluated: 2022-04-22. Review status: criteria provided, single submitter. Criteria: Invitae Variant Classification Sherloc (09022015). Collection method: clinical testing. Allele origin: germline.
Comment: This sequence change replaces isoleucine, which is neutral and non-polar, with methionine, which is neutral and non-polar, at codon 1674 of the EYS protein (p.Ile1674Met). This variant is present in population databases (no rsID available, gnomAD 0.002%). This variant has not been reported in the literature in individuals affected with EYS-related conditions. Algorithms developed to predict the effect of missense changes on protein structure and function output the following: SIFT: "Deleterious"; PolyPhen-2: "Benign"; Align-GVGD: "Class C0". The methionine amino acid residue is found in multiple mammalian species, which suggests that this missense change does not adversely affect protein function. In summary, the available evidence is currently insufficient to determine the role of this variant in disease. Therefore, it has been classified as a Variant of Uncertain Significance.